The following is an entry in ClinVar:

ClinVar aggregate classification (germline): Likely benign. Review status: criteria provided, multiple submitters, no conflicts (2 of 4 stars). 3 submissions from 3 submitters: Likely benign (3). Last evaluated 2026-06-18.

Conditions:
Retinoblastoma (RB1). Also called: RETINOBLASTOMA, SOMATIC. Identifiers: Orphanet 790, MedGen C0035335, MeSH D012175, MONDO:0008380, OMIM 180200, HP:0009919. Disease mechanism: loss of function. Inheritance: Both sporadic and heritable forms are tested..

Submissions (3):

Myriad Genetics, Inc.
Classification: Likely benign for Retinoblastoma. Last evaluated: 2026-06-18. Review status: criteria provided, single submitter. Criteria: Myriad Autosomal Dominant, Autosomal Recessive and X-Linked Classification Criteria (2023). Collection method: clinical testing. Allele origin: unknown.
Comment: This variant is considered likely benign. This variant is intronic and is not expected to impact mRNA splicing.

Labcorp Genetics (formerly Invitae), Labcorp
Classification: Likely benign for Retinoblastoma. Last evaluated: 2025-12-22. Review status: criteria provided, single submitter. Criteria: Invitae Variant Classification Sherloc (09022015). Collection method: clinical testing. Allele origin: germline.

All of Us Research Program, National Institutes of Health
Classification: Likely benign for Retinoblastoma. Last evaluated: 2023-07-10. Review status: criteria provided, single submitter. Criteria: ACMG Guidelines, 2015. Collection method: clinical testing. Allele origin: germline. Inheritance: Autosomal dominant inheritance. Observed: 1 variant allele, 1 heterozygote.
Comment: This study involves interpretation of variants in research participants for the purpose of population health screening. Participant phenotype was not available at the time of variant classification. Additional details can be found in publication PMID: 35346344, PMCID: PMC8962531

NM_000321.3(RB1):c.1422-6C>T

Gene: RB1 (RB transcriptional corepressor 1; plus strand). Cytogenetic location: 13q14.2.
Variant type: single nucleotide variant.
Coding change: c.1422-6C>T on transcript NM_000321.3 (MANE Select); 6 bases into the intron before coding-DNA position 1422, C replaced by T.
Molecular consequence: intron variant.
Genome position (GRCh38, 1-based): chr13:48,380,159, C>T. VCF-style: chr13-48380159-C-T. GRCh37 (hg19) VCF-style: chr13-48954295-C-T.
Other names: c.1422-6C>T (NM_001407165.1, NM_001407166.1).
Identifiers: ClinVar variation 3072417 (VCV003072417.3), dbSNP rs750879147, ClinGen allele CA483559262.